The following is an entry in ClinVar:

NM_144670.6(A2ML1):c.2585A>T (p.Lys862Ile)

Gene: A2ML1 (alpha-2-macroglobulin like 1; plus strand). Cytogenetic location: 12p13.31.
Variant type: single nucleotide variant.
Coding change: c.2585A>T on transcript NM_144670.6 (MANE Select); coding-DNA position 2585, A replaced by T.
Protein change: p.Lys862Ile; replaces lysine 862 with isoleucine.
Molecular consequence: missense variant.
Genome position (GRCh38, 1-based): chr12:8,852,331, A>T. VCF-style: chr12-8852331-A-T. GRCh37 (hg19) VCF-style: chr12-9004927-A-T.
Other names: c.1112A>T, p.Lys371Ile (NM_001282424.3); short protein forms K371I, K862I.
Identifiers: ClinVar variation 2908912 (VCV002908912.3), dbSNP rs1033275532, ClinGen allele CA232691425.

ClinVar aggregate classification (germline): Uncertain significance (1 of 4 stars; one submission).

Allele frequency attached by ClinVar (database versions not stated): gnomAD exomes 0.00001; TOPMed 0.00001.

Submission:

Labcorp Genetics (formerly Invitae), Labcorp
Classification: Uncertain significance. Last evaluated: 2024-01-30. Review status: criteria provided, single submitter. Criteria: Invitae Variant Classification Sherloc (09022015). Collection method: clinical testing. Allele origin: germline.
Comment: This sequence change replaces lysine, which is basic and polar, with isoleucine, which is neutral and non-polar, at codon 862 of the A2ML1 protein (p.Lys862Ile). This variant is present in population databases (no rsID available, gnomAD 0.0009%). This variant has not been reported in the literature in individuals affected with A2ML1-related conditions. An algorithm developed to predict the effect of missense changes on protein structure and function (PolyPhen-2) suggests that this variant is likely to be tolerated. In summary, the available evidence is currently insufficient to determine the role of this variant in disease. Therefore, it has been classified as a Variant of Uncertain Significance.